The following is an entry in ClinVar:

ClinVar aggregate classification (germline): Uncertain significance (1 of 4 stars; one submission).

Allele frequency attached by ClinVar (database versions not stated): gnomAD exomes below 0.00001.
gnomAD v4.1: 1 of 1,612,810 alleles (0.000062%); highest among the groups gnomAD compares: Non-Finnish European, 0.000085%; no homozygotes.

Submission:

Labcorp Genetics (formerly Invitae), Labcorp
Classification: Uncertain significance. Last evaluated: 2022-08-05. Review status: criteria provided, single submitter. Criteria: Invitae Variant Classification Sherloc (09022015). Collection method: clinical testing. Allele origin: germline.
Comment: This variant is not present in population databases (gnomAD no frequency). This sequence change replaces glutamine, which is neutral and polar, with arginine, which is basic and polar, at codon 35 of the ATR protein (p.Gln35Arg). This variant has not been reported in the literature in individuals affected with ATR-related conditions. In summary, the available evidence is currently insufficient to determine the role of this variant in disease. Therefore, it has been classified as a Variant of Uncertain Significance. Algorithms developed to predict the effect of missense changes on protein structure and function are either unavailable or do not agree on the potential impact of this missense change (SIFT: "Deleterious"; PolyPhen-2: "Benign"; Align-GVGD: "Class C0").

NM_001184.4(ATR):c.104A>G (p.Gln35Arg)

Gene: ATR (ATR checkpoint kinase; minus strand). Cytogenetic location: 3q23.
Variant type: single nucleotide variant.
Coding change: c.104A>G on transcript NM_001184.4 (MANE Select); coding-DNA position 104, A replaced by G.
Protein change: p.Gln35Arg; replaces glutamine 35 with arginine.
Molecular consequence: missense variant.
Genome position (GRCh38, 1-based): chr3:142,568,110, T>C on the plus strand (A>G on the coding strand, the complement: ATR is on the minus strand). VCF-style: chr3-142568110-T-C. GRCh37 (hg19) VCF-style: chr3-142286952-T-C.
Other names: c.104A>G, p.Gln35Arg (NM_001354579.2); short protein forms Q35R.
Identifiers: ClinVar variation 2155438 (VCV002155438.4), dbSNP rs2473446266, ClinGen allele CA354829051.
Genomic context (GRCh38, chr3:142,568,110, plus strand): 5'-ATTGGTTTCTTACCAACATTTACATCTGTAAGTATCCGGTCAATGAATTGACACAGAATT[T>C]GTCTTGGCTTCTGTACAACTGTATTATATTCCTCTGGTGTGGCACTAAAATACAAATTAA-3'
Protein context (NP_001175.2, residues 25-45): EYNTVVQKPR[Gln35Arg]ILCQFIDRIL